The following is an entry in ClinVar:

ClinVar aggregate classification (germline): Uncertain significance (1 of 4 stars; one submission).

Allele frequency attached by ClinVar (database versions not stated): ExAC 0.00002; TOPMed 0.00002; gnomAD 0.00001; gnomAD exomes 0.00001.
gnomAD v4.1: 27 of 1,613,512 alleles (0.0017%); highest among the groups gnomAD compares: South Asian, 0.0022%; no homozygotes.

Submission:

Labcorp Genetics (formerly Invitae), Labcorp
Classification: Uncertain significance. Last evaluated: 2022-01-13. Review status: criteria provided, single submitter. Criteria: Invitae Variant Classification Sherloc (09022015). Collection method: clinical testing. Allele origin: germline.
Comment: This sequence change replaces arginine, which is basic and polar, with glutamine, which is neutral and polar, at codon 169 of the TSEN54 protein (p.Arg169Gln). This variant is present in population databases (rs768076552, gnomAD 0.004%). This variant has not been reported in the literature in individuals affected with TSEN54-related conditions. Algorithms developed to predict the effect of missense changes on protein structure and function (SIFT, PolyPhen-2, Align-GVGD) all suggest that this variant is likely to be tolerated. In summary, the available evidence is currently insufficient to determine the role of this variant in disease. Therefore, it has been classified as a Variant of Uncertain Significance.

NM_207346.3(TSEN54):c.506G>A (p.Arg169Gln)

Gene: TSEN54 (tRNA splicing endonuclease subunit 54; plus strand). Cytogenetic location: 17q25.1.
Variant type: single nucleotide variant.
Coding change: c.506G>A on transcript NM_207346.3 (MANE Select); coding-DNA position 506, G replaced by A.
Protein change: p.Arg169Gln; replaces arginine 169 with glutamine.
Molecular consequence: missense variant.
Genome position (GRCh38, 1-based): chr17:75,519,032, G>A. VCF-style: chr17-75519032-G-A. GRCh37 (hg19) VCF-style: chr17-73515113-G-A.
Other names: short protein forms R169Q.
Identifiers: ClinVar variation 1462811 (VCV001462811.5), dbSNP rs768076552, ClinGen allele CA8764156.
Genomic context (GRCh38, chr17:75,519,032, plus strand): 5'-TCATTTTTTTTTTTTCTTTTGAGGTCTTCAGCCACCTGAAGAGGTTGGGTTATGTGGTTC[G>A]ACGATTCCAACCAAGGTAAATCCCCTTCCTGTTCCCCTTCCATATATTCTAGTCCTGGGA-3'
Protein context (NP_997229.2, residues 159-179): SHLKRLGYVV[Arg169Gln]RFQPSSVLSP